The following is an entry in ClinVar:

ClinVar aggregate classification (germline): Conflicting classifications of pathogenicity. Review status: criteria provided, conflicting classifications (1 of 4 stars). 20 submissions from 16 submitters: Uncertain significance (2); Benign (11); Likely benign (4). 3 of the submissions do not count toward it. Last evaluated 2026-06-01.

Conditions:
Dilated cardiomyopathy 1G (CMD1G). Identifiers: Orphanet 154, MedGen C1858763, MONDO:0011400, OMIM 604145.
Autosomal recessive limb-girdle muscular dystrophy type 2J (LGMDR10). Also called: MUSCULAR DYSTROPHY, LIMB-GIRDLE, AUTOSOMAL RECESSIVE 10; Limb-girdle muscular dystrophy, type 2J. Identifiers: Orphanet 140922, MedGen C1837342, MONDO:0012127, OMIM 608807.
Cardiovascular phenotype. Identifiers: MedGen CN230736.
Cardiomyopathy (CMYO). Also called: Cardiomyopathies. Identifiers: Orphanet 167848, MedGen C0878544, MONDO:0004994, HP:0001638. Inheritance: Various modes of inheritance.
Early-onset myopathy with fatal cardiomyopathy (CMYO5). Also called: CONGENITAL MYOPATHY 5 WITH CARDIOMYOPATHY; Salih Myopathy. Identifiers: Orphanet 289377, MedGen C2673677, MONDO:0012714, OMIM 611705. Disease mechanism: loss of function.
Myopathy, myofibrillar, 9, with early respiratory failure (MFM9). Also called: Myopathy, distal, with early respiratory failure, autosomal dominant; Hereditary myopathy with early respiratory failure; MYOPATHY, PROXIMAL, WITH EARLY RESPIRATORY MUSCLE INVOLVEMENT; EDSTROM MYOPATHY. Identifiers: Orphanet 178464, Orphanet 34521, MedGen C1863599, MONDO:0011362, OMIM 603689.
Tibial muscular dystrophy (TMD). Also called: Udd Distal Myopathy – Tibial Muscular Dystrophy; Tibial muscular dystrophy, tardive; UDD MYOPATHY. Identifiers: Orphanet 609, MedGen C1838244, MONDO:0010870, OMIM 600334.

Allele frequency attached by ClinVar (database versions not stated): ExAC 0.00085; TOPMed 0.00223; 1000 Genomes Project 0.00319; 1000 Genomes Project 30x 0.00344; gnomAD 0.00222 and 0.00238; ESP Exome Variant Server 0.00302.
gnomAD v4.1: 697 of 1,613,918 alleles (0.043%); highest among the groups gnomAD compares: African/African-American, 0.76%; 10 homozygotes.

Submissions (20):

CeGaT Center for Human Genetics Tuebingen
Classification: Likely benign. Last evaluated: 2026-06-01. Review status: criteria provided, single submitter. Criteria: CeGaT Center For Human Genetics Tuebingen Variant Classification Criteria Version 2. Collection method: clinical testing. Allele origin: germline. Affected: yes. Observed: 3 variant alleles.
Comment: TTN: BP4, BS2

Labcorp Genetics (formerly Invitae), Labcorp
Classification: Benign for Dilated cardiomyopathy 1G; Autosomal recessive limb-girdle muscular dystrophy type 2J. Last evaluated: 2026-01-28. Review status: criteria provided, single submitter. Criteria: Invitae Variant Classification Sherloc (09022015). Collection method: clinical testing. Allele origin: germline.

Molecular Diagnostic Laboratory for Inherited Cardiovascular Disease, Montreal Heart Institute
Classification: Likely benign. Last evaluated: 2025-04-09. Review status: criteria provided, single submitter. Criteria: ACMG Guidelines, 2015. Collection method: clinical testing. Allele origin: germline. Affected: no.

ARUP Laboratories, Molecular Genetics and Genomics, ARUP Laboratories
Classification: Likely benign. Last evaluated: 2024-05-17. Review status: criteria provided, single submitter. Criteria: ARUP Molecular Germline Variant Investigation Process 2024. Collection method: clinical testing. Allele origin: germline.

Athena Diagnostics
Classification: Benign. Last evaluated: 2021-05-18. Review status: criteria provided, single submitter. Criteria: Athena Diagnostics criteria. Collection method: clinical testing. Allele origin: unknown.

Women's Health and Genetics/Laboratory Corporation of America, LabCorp
Classification: Benign. Last evaluated: 2020-08-31. Review status: criteria provided, single submitter. Criteria: LabCorp Variant Classification Summary - May 2015. Collection method: clinical testing. Allele origin: germline.
Comment: Variant summary: TTN c.95659C>T (p.Arg31887Cys) results in a non-conservative amino acid change located in the M-band region of the encoded protein sequence. Four of five in-silico tools predict a damaging effect of the variant on protein function. The variant allele was found at a frequency of 0.00072 in 248602 control chromosomes, predominantly at a frequency of 0.0095 within the African or African-American subpopulation in the gnomAD database, including 3 homozygotes. The observed variant frequency within African or African-American control individuals in the gnomAD database is approximately 24-fold the estimated maximal expected allele frequency for a pathogenic variant in TTN causing Dilated Cardiomyopathy phenotype (0.00039), strongly suggesting that the variant is a benign polymorphism found primarily in populations of African or African-American origin. c.95659C>T has been reported in the literature in individuals affected with Dilated Cardiomyopathy (e.g. Pugh_2014, Tobita_2018). These reports do not provide unequivocal conclusions about association of the variant with Dilated Cardiomyopathy. To our knowledge, no experimental evidence demonstrating an impact on protein function has been reported. Seven other ClinVar submitters (evaluation after 2014) have cited the variant as benign/likely benign (n=6) and uncertain significance (n=1). Based on the evidence outlined above, the variant was classified as benign.

Ambry Genetics
Classification: Benign for Cardiovascular phenotype. Last evaluated: 2018-07-10. Review status: criteria provided, single submitter. Criteria: Ambry Variant Classification Scheme 2023. Collection method: clinical testing. Allele origin: germline.

Illumina Laboratory Services, Illumina
Classification: Uncertain significance for Autosomal recessive limb-girdle muscular dystrophy type 2J. Last evaluated: 2017-04-27. Review status: criteria provided, single submitter. Criteria: ICSL Variant Classification Criteria 13 December 2019. Collection method: clinical testing. Allele origin: germline.

Illumina Laboratory Services, Illumina
Classification: Uncertain significance for Early-onset myopathy with fatal cardiomyopathy. Last evaluated: 2017-04-27. Review status: criteria provided, single submitter. Criteria: ICSL Variant Classification Criteria 13 December 2019. Collection method: clinical testing. Allele origin: germline.

Illumina Laboratory Services, Illumina
Classification: Benign for Tibial muscular dystrophy. Last evaluated: 2017-04-27. Review status: criteria provided, single submitter. Criteria: ICSL Variant Classification Criteria 13 December 2019. Collection method: clinical testing. Allele origin: germline.
Comment: This variant was observed as part of a predisposition screen in an ostensibly healthy population. A literature search was performed for the gene, cDNA change, and amino acid change (where applicable). No publications were found based on this search. Allele frequency data from public databases was too high to be consistent with this variant causing disease. Therefore, this variant is classified as benign.

Illumina Laboratory Services, Illumina
Classification: Benign for Dilated cardiomyopathy 1G. Last evaluated: 2017-04-27. Review status: criteria provided, single submitter. Criteria: ICSL Variant Classification Criteria 13 December 2019. Collection method: clinical testing. Allele origin: germline.
Comment: the same text as in the submission from Illumina Laboratory Services, Illumina above.

Illumina Laboratory Services, Illumina
Classification: Benign for Myopathy, myofibrillar, 9, with early respiratory failure. Last evaluated: 2017-04-27. Review status: criteria provided, single submitter. Criteria: ICSL Variant Classification Criteria 13 December 2019. Collection method: clinical testing. Allele origin: germline.
Comment: the same text as in the submission from Illumina Laboratory Services, Illumina above.

GeneDx
Classification: Benign. Last evaluated: 2016-11-28. Review status: criteria provided, single submitter. Criteria: GeneDx Variant Classification (06012015). Collection method: clinical testing. Allele origin: germline. Affected: yes.
Comment: This variant is considered likely benign or benign based on one or more of the following criteria: it is a conservative change, it occurs at a poorly conserved position in the protein, it is predicted to be benign by multiple in silico algorithms, and/or has population frequency not consistent with disease.

CHEO Genetics Diagnostic Laboratory, Children's Hospital of Eastern Ontario
Classification: Likely benign for Cardiomyopathy. Last evaluated: 2016-11-09. Review status: criteria provided, single submitter. Criteria: ACMG Guidelines, 2015. Collection method: clinical testing. Allele origin: germline. Study: Canadian Open Genetics Repository.

Laboratory for Molecular Medicine, Mass General Brigham Personalized Medicine
Classification: Benign. Last evaluated: 2015-11-13. Review status: criteria provided, single submitter. Criteria: LMM Criteria. Collection method: clinical testing. Allele origin: germline. Observed: 2 variant alleles.
Comment: p.Arg31887Cys in exon 307 of TTN: This variant is not expected to have clinical significance because it has been identified in 1% (95/9792) of African chromosom es including 3 homozygotes by the Exome Aggregation Consortium (ExAC; dbSNP rs72629785).

Biesecker Lab/Clinical Genomics Section, National Institutes of Health
Classification: Benign. Last evaluated: 2013-06-24. Review status: criteria provided, single submitter. Criteria: Ng et al. (Circ Cardiovasc Genet. 2013). Collection method: research. Allele origin: unknown. Observed: 1 variant allele. Study: ClinSeq.
Comment: The study set was not selected for affection status in relation to any cancer. Pathogenicity categories were based on literature curation. See Pubmed ID:23861362 for details.

Medical sequencing

Eurofins Ntd Llc (ga)
Classification: Benign. Last evaluated: 2013-04-22. Review status: criteria provided, single submitter. Criteria: EGL Classification Definitions 2015. Collection method: clinical testing. Allele origin: germline. Observed: 1 variant allele, 1 heterozygote.

Clinical Genetics DNA and cytogenetics Diagnostics Lab, Erasmus MC, Erasmus Medical Center
Classification: Likely benign. Review status: no assertion criteria provided. Collection method: clinical testing. Allele origin: germline. Affected: yes. Study: VKGL Data-share Consensus. Not counted in ClinVar's aggregate classification.

Clinical Genetics, Academic Medical Center
Classification: Benign. Review status: no assertion criteria provided. Collection method: clinical testing. Allele origin: germline. Affected: yes. Study: VKGL Data-share Consensus. Not counted in ClinVar's aggregate classification.

Diagnostic Laboratory, Department of Genetics, University Medical Center Groningen
Classification: Likely benign. Review status: no assertion criteria provided. Collection method: clinical testing. Allele origin: germline. Affected: yes. Study: VKGL Data-share Consensus. Not counted in ClinVar's aggregate classification.

Literature cited by the submitters: PubMed 29386531 (cited by Athena Diagnostics and Women's Health and Genetics/Laboratory Corporation of America, LabCorp); PubMed 24503780 (cited by Athena Diagnostics and Women's Health and Genetics/Laboratory Corporation of America, LabCorp).

NM_001267550.2(TTN):c.103363C>T (p.Arg34455Cys)

Genes: TTN-AS1 (TTN antisense RNA 1; plus strand), TTN (titin; minus strand). Cytogenetic location: 2q31.2.
Variant type: single nucleotide variant.
Coding change: c.103363C>T on transcript NM_001267550.2 (MANE Select); coding-DNA position 103363, C replaced by T.
Protein change: p.Arg34455Cys; replaces arginine 34455 with cysteine.
Molecular consequence: missense variant.
Genome position (GRCh38, 1-based): chr2:178,533,252, G>A on the plus strand (C>T on the coding strand, the complement: TTN is on the minus strand). VCF-style: chr2-178533252-G-A. GRCh37 (hg19) VCF-style: chr2-179397979-G-A.
Other names: p.R32814C:CGC>TGC; c.98440C>T, p.Arg32814Cys (NM_001256850.1); c.76168C>T, p.Arg25390Cys (NM_003319.4); c.95659C>T, p.Arg31887Cys (NM_133378.4); c.76543C>T, p.Arg25515Cys (NM_133432.3); c.76744C>T, p.Arg25582Cys (NM_133437.4); short protein forms R34455C, R31887C, R32814C, R25390C, R25515C, R25582C.
Identifiers: ClinVar variation 47659 (VCV000047659.65), dbSNP rs72629785, ClinGen allele CA141631.
Genomic context (GRCh38, chr2:178,533,252, plus strand): 5'-TTTGTACGTGTCGCTCATGCTCCTCCTTACTCTTGAATTCCTGTTTCTTGTACCTCAGGC[G>A]TTCCACTTGTAGGTGAGCCTGGCAGCTGGTGGACCCAGCTGTGTTAGTGGCTGTGACTCT-3'
Protein context (NP_001254479.2, residues 34445-34465): TSCQAHLQVE[Arg34455Cys]LRYKKQEFKS